The following is an entry in ClinVar:

ClinVar aggregate classification (germline): Uncertain significance (1 of 4 stars; one submission).

Conditions:
Familial thoracic aortic aneurysm and aortic dissection (TAAD). Also called: Thoracic aortic aneurysms and dissections. Identifiers: Orphanet 91387, MedGen C4707243, MONDO:0019625.

Submission:

Color Diagnostics, LLC DBA Color Health
Classification: Uncertain significance for Familial thoracic aortic aneurysm and aortic dissection. Last evaluated: 2022-11-16. Review status: criteria provided, single submitter. Criteria: ACMG Guidelines, 2015. Collection method: clinical testing. Allele origin: germline.
Comment: This missense variant replaces glycine with valine at codon 120 of the TGFBR1 protein. Computational prediction suggests that this variant may not impact protein structure and function (internally defined REVEL score threshold <= 0.5, PMID: 27666373). To our knowledge, functional studies have not been reported for this variant. This variant has not been reported in individuals affected with TGFBR1-related disorders in the literature. This variant has not been identified in the general population by the Genome Aggregation Database (gnomAD). The available evidence is insufficient to determine the role of this variant in disease conclusively. Therefore, this variant is classified as a Variant of Uncertain Significance.

NM_004612.4(TGFBR1):c.359G>T (p.Gly120Val)

Gene: TGFBR1 (transforming growth factor beta receptor 1; plus strand). Cytogenetic location: 9q22.33.
Variant type: single nucleotide variant.
Coding change: c.359G>T on transcript NM_004612.4 (MANE Select); coding-DNA position 359, G replaced by T.
Protein change: p.Gly120Val; replaces glycine 120 with valine.
Molecular consequence: missense variant. On other transcripts: non-coding transcript variant (4), intron variant (3).
Genome position (GRCh38, 1-based): chr9:99,132,524, G>T. VCF-style: chr9-99132524-G-T. GRCh37 (hg19) VCF-style: chr9-101894806-G-T.
Other names: c.371G>T, p.Gly124Val (NM_001306210.2, NM_001407416.1); c.359G>T, p.Gly120Val (NM_001407417.1, NM_001407435.1); c.164G>T, p.Gly55Val (NM_001407418.1, NM_001407419.1, NM_001407420.1 and 1 more transcripts); c.152G>T, p.Gly51Val (NM_001407423.1, NM_001407424.1, NM_001407425.1 and 8 more transcripts); c.113G>T, p.Gly38Val (NM_001407436.1); c.343+3424G>T (NM_001130916.3); c.98-5335G>T (NM_001407438.1); c.98-10012G>T (NM_001407437.1); short protein forms G120V, G51V, G55V, G124V, G38V.
Identifiers: ClinVar variation 2774549 (VCV002774549.2), dbSNP rs1827267269, ClinGen allele CA374227792.